The following is an entry in ClinVar:

NM_178862.3(STT3B):c.777+7T>G

Gene: STT3B (STT3 oligosaccharyltransferase complex catalytic subunit B; plus strand). Cytogenetic location: 3p23.
Variant type: single nucleotide variant.
Coding change: c.777+7T>G on transcript NM_178862.3 (MANE Select); 7 bases into the intron after coding-DNA position 777, T replaced by G.
Molecular consequence: intron variant.
Genome position (GRCh38, 1-based): chr3:31,596,870, T>G. VCF-style: chr3-31596870-T-G. GRCh37 (hg19) VCF-style: chr3-31638362-T-G.
Identifiers: ClinVar variation 380194 (VCV000380194.13), dbSNP rs76400963, ClinGen allele CA2295010.

ClinVar aggregate classification (germline): Benign. Review status: criteria provided, multiple submitters, no conflicts (2 of 4 stars). 4 submissions from 4 submitters: Benign (3). 1 of the submissions does not count toward it. Last evaluated 2026-01-27.

Conditions:
STT3B-related disorder. Also called: STT3B-related condition.
STT3B-congenital disorder of glycosylation. Also called: STT3B-CDG; CDG Ix; Congenital disorder of glycosylation type 1x. Identifiers: Orphanet 370924, MedGen C2931007, MONDO:0014271, OMIM 615597.

Allele frequency attached by ClinVar (database versions not stated): 1000 Genomes Project 30x 0.00593; 1000 Genomes Project 0.00619; TOPMed 0.00931; ESP Exome Variant Server 0.01177; gnomAD 0.01260 and 0.01303; gnomAD exomes 0.01328 and 0.01415; ExAC 0.01384.
gnomAD v4.1: 22,355 of 1,606,354 alleles (1.4%); highest among the groups gnomAD compares: Non-Finnish European, 1.6%; 227 homozygotes.

Submissions (4):

Labcorp Genetics (formerly Invitae), Labcorp
Classification: Benign for STT3B-congenital disorder of glycosylation. Last evaluated: 2026-01-27. Review status: criteria provided, single submitter. Criteria: Invitae Variant Classification Sherloc (09022015). Collection method: clinical testing. Allele origin: germline.

GeneDx
Classification: Benign. Last evaluated: 2016-07-12. Review status: criteria provided, single submitter. Criteria: GeneDx Variant Classification (06012015). Collection method: clinical testing. Allele origin: germline. Affected: yes.
Comment: This variant is considered likely benign or benign based on one or more of the following criteria: it is a conservative change, it occurs at a poorly conserved position in the protein, it is predicted to be benign by multiple in silico algorithms, and/or has population frequency not consistent with disease.

Breakthrough Genomics
Classification: Benign. Review status: criteria provided, single submitter. Criteria: ACMG Guidelines, 2015. Collection method: not provided. Allele origin: germline. Inheritance: Autosomal recessive inheritance. Affected: yes.

PreventionGenetics, part of Exact Sciences
Classification: Benign for STT3B-related condition. Last evaluated: 2024-02-23. Review status: no assertion criteria provided. Collection method: clinical testing. Allele origin: germline. Not counted in ClinVar's aggregate classification.
Comment: This variant is classified as benign based on ACMG/AMP sequence variant interpretation guidelines (Richards et al. 2015 PMID: 25741868, with internal and published modifications).